The following is an entry in ClinVar:

ClinVar aggregate classification (germline): Uncertain significance (1 of 4 stars; one submission).

Conditions:
Joubert syndrome 14 (JBTS14). Identifiers: MedGen C3280766, MONDO:0013745, OMIM 614424.

Allele frequency attached by ClinVar (database versions not stated): gnomAD exomes below 0.00001.
gnomAD v4.1: 4 of 1,612,110 alleles (0.00025%); highest among the groups gnomAD compares: Admixed American, 0.0034%; no homozygotes.

Submission:

Labcorp Genetics (formerly Invitae), Labcorp
Classification: Uncertain significance for Joubert syndrome 14. Last evaluated: 2022-10-24. Review status: criteria provided, single submitter. Criteria: Invitae Variant Classification Sherloc (09022015). Collection method: clinical testing. Allele origin: germline.
Comment: This sequence change replaces serine, which is neutral and polar, with proline, which is neutral and non-polar, at codon 259 of the TMEM237 protein (p.Ser259Pro). This variant is not present in population databases (gnomAD no frequency). This variant has not been reported in the literature in individuals affected with TMEM237-related conditions. ClinVar contains an entry for this variant (Variation ID: 1393085). Advanced modeling of protein sequence and biophysical properties (such as structural, functional, and spatial information, amino acid conservation, physicochemical variation, residue mobility, and thermodynamic stability) performed at Invitae indicates that this missense variant is not expected to disrupt TMEM237 protein function. In summary, the available evidence is currently insufficient to determine the role of this variant in disease. Therefore, it has been classified as a Variant of Uncertain Significance.

NM_001044385.3(TMEM237):c.775T>C (p.Ser259Pro)

Gene: TMEM237 (transmembrane protein 237; minus strand). Cytogenetic location: 2q33.1.
Variant type: single nucleotide variant.
Coding change: c.775T>C on transcript NM_001044385.3 (MANE Select); coding-DNA position 775, T replaced by C.
Protein change: p.Ser259Pro; replaces serine 259 with proline.
Molecular consequence: missense variant.
Genome position (GRCh38, 1-based): chr2:201,629,324, A>G on the plus strand (T>C on the coding strand, the complement: TMEM237 is on the minus strand). VCF-style: chr2-201629324-A-G. GRCh37 (hg19) VCF-style: chr2-202494047-A-G.
Other names: c.751T>C, p.Ser251Pro (NM_152388.4); short protein forms S259P, S251P.
Identifiers: ClinVar variation 1393085 (VCV001393085.3), dbSNP rs992818026, ClinGen allele CA63953628.
Genomic context (GRCh38, chr2:201,629,324, plus strand): 5'-GCAAGTACAGAAGACTCTGGAATGGATACGCTAGGGTCTTGTATTGTTGCAGAAGGTTTG[A>G]GAGGTTGGATAGCTGATCTCCTGCTAGAACATATATCACAACAATATTCCACACAGCACA-3'
Protein context (NP_001037850.1, residues 249-269): VLAGDQLSNL[Ser259Pro]NLLQQYKTLA